The following is an entry in ClinVar:

NM_001814.6(CTSC):c.43C>T (p.Leu15Phe)

Genes: CTSC (cathepsin C; minus strand), LOC130006572 (ATAC-STARR-seq lymphoblastoid active region 5382; plus strand). Cytogenetic location: 11q14.2.
Variant type: single nucleotide variant.
Coding change: c.43C>T on transcript NM_001814.6 (MANE Select); coding-DNA position 43, C replaced by T.
Protein change: p.Leu15Phe; replaces leucine 15 with phenylalanine.
Molecular consequence: missense variant.
Genome position (GRCh38, 1-based): chr11:88,337,630, G>A on the plus strand (C>T on the coding strand, the complement: CTSC is on the minus strand). VCF-style: chr11-88337630-G-A. GRCh37 (hg19) VCF-style: chr11-88070798-G-A.
Other names: c.43C>T, p.Leu15Phe (NM_001114173.3, NM_148170.5); short protein forms L15F.
Identifiers: ClinVar variation 1064211 (VCV001064211.6), dbSNP rs1455348465, ClinGen allele CA382030925.

ClinVar aggregate classification (germline): Uncertain significance (1 of 4 stars; one submission).

Conditions:
Papillon-Lefèvre syndrome (PALS). Also called: KERATOSIS PALMOPLANTARIS WITH PERIODONTOPATHIA; Papillon-Lefevre Disease. Identifiers: Orphanet 678, MedGen C0030360, MONDO:0009490, OMIM 245000.
Haim-Munk syndrome (HMS). Also called: COCHIN JEWISH DISORDER; KERATOSIS PALMOPLANTARIS WITH PERIODONTOPATHIA AND ONYCHOGRYPOSIS. Identifiers: Orphanet 2342, MedGen C1855627, MONDO:0009491, OMIM 245010.
Periodontitis, aggressive. Identifiers: MedGen C0031106, MONDO:0980757.

Allele frequency attached by ClinVar (database versions not stated): TOPMed below 0.00001; gnomAD exomes below 0.00001; gnomAD 0.00001.
gnomAD v4.1: 6 of 1,584,606 alleles (0.00038%); highest among the groups gnomAD compares: Non-Finnish European, 0.00052%; no homozygotes.

Submission:

Labcorp Genetics (formerly Invitae), Labcorp
Classification: Uncertain significance for Haim-Munk syndrome; Periodontitis, aggressive; Papillon-Lefèvre syndrome. Last evaluated: 2024-02-24. Review status: criteria provided, single submitter. Criteria: Invitae Variant Classification Sherloc (09022015). Collection method: clinical testing. Allele origin: germline.
Comment: This sequence change replaces leucine, which is neutral and non-polar, with phenylalanine, which is neutral and non-polar, at codon 15 of the CTSC protein (p.Leu15Phe). The frequency data for this variant in the population databases is considered unreliable, as metrics indicate poor data quality at this position in the gnomAD database. This variant has not been reported in the literature in individuals affected with CTSC-related conditions. ClinVar contains an entry for this variant (Variation ID: 1064211). Algorithms developed to predict the effect of missense changes on protein structure and function output the following: SIFT: "Not Available"; PolyPhen-2: "Benign"; Align-GVGD: "Not Available". The phenylalanine amino acid residue is found in multiple mammalian species, which suggests that this missense change does not adversely affect protein function. In summary, the available evidence is currently insufficient to determine the role of this variant in disease. Therefore, it has been classified as a Variant of Uncertain Significance.